The following is an entry in ClinVar:

ClinVar aggregate classification (germline): Conflicting classifications of pathogenicity. Review status: criteria provided, conflicting classifications (1 of 4 stars). 4 submissions from 4 submitters: Uncertain significance (2); Likely benign (2). Last evaluated 2025-12-27.

Conditions:
DMXL2-related disorder. Also called: DMXL2-related condition.

Allele frequency attached by ClinVar (database versions not stated): gnomAD 0.00014; TOPMed 0.00012; ExAC 0.00014.
gnomAD v4.1: 352 of 1,557,396 alleles (0.023%); highest among the groups gnomAD compares: Non-Finnish European, 0.029%; 1 homozygote.

Submissions (5):

Labcorp Genetics (formerly Invitae), Labcorp
Classification: Likely benign. Last evaluated: 2025-12-27. Review status: criteria provided, single submitter. Criteria: Invitae Variant Classification Sherloc (09022015). Collection method: clinical testing. Allele origin: germline.

PreventionGenetics, part of Exact Sciences
Classification: Likely benign for DMXL2-related condition. Last evaluated: 2025-07-31. Review status: criteria provided, single submitter. Criteria: ACMG Guidelines, 2015. Collection method: clinical testing. Allele origin: germline.
Comment: This variant is classified as likely benign based on ACMG/AMP sequence variant interpretation guidelines (Richards et al. 2015 PMID: 25741868, with internal and published modifications).

Blueprint Genetics
Classification: Uncertain significance. Last evaluated: 2023-08-25. Review status: criteria provided, single submitter. Criteria: ACMG Guidelines, 2015. Collection method: clinical testing. Allele origin: germline.

GeneDx
Classification: Uncertain significance. Last evaluated: 2023-03-15. Review status: criteria provided, single submitter. Criteria: GeneDx Variant Classification Process June 2021. Collection method: clinical testing. Allele origin: germline. Affected: yes.
Comment: Has not been previously published as pathogenic or benign to our knowledge; In silico analysis is inconclusive as to whether the variant alters gene splicing. In the absence of RNA/functional studies, the actual effect of this sequence change is unknown.

Dr. Peter K. Rogan Lab, Western University
No classification provided (evidence only). Condition: Acute myeloid leukemia. Review status: no classification provided. Collection method: in vitro. Allele origin: not applicable. Functional consequence: skipped exon, retained intron. Not counted in ClinVar's aggregate classification.

NM_001378457.1(DMXL2):c.7214-10C>A

Gene: DMXL2 (Dmx like 2; minus strand). Cytogenetic location: 15q21.2.
Variant type: single nucleotide variant.
Coding change: c.7214-10C>A on transcript NM_001378457.1 (MANE Select); 10 bases into the intron before coding-DNA position 7214, C replaced by A.
Molecular consequence: intron variant.
Genome position (GRCh38, 1-based): chr15:51,471,411, G>T on the plus strand (C>A on the coding strand, the complement: DMXL2 is on the minus strand). VCF-style: chr15-51471411-G-T. GRCh37 (hg19) VCF-style: chr15-51763608-G-T.
Other names: c.5192-10C>A (NM_001378460.1); c.5303-10C>A (NM_001174117.3); c.7211-10C>A (NM_015263.5, NM_001378458.1, NM_001378462.1); c.7214-10C>A (NM_001378459.1, NM_001174116.3, NM_001378463.1 and 2 more transcripts); c.6971-10C>A (NM_001378464.1).
Identifiers: ClinVar variation 2181833 (VCV002181833.8), dbSNP rs758539671, ClinGen allele CA7561384.
Genomic context (GRCh38, chr15:51,471,411, plus strand): 5'-TGTTAAATCTCCTACGGTGTTTATCTATGTCTTCAGAAAGGACAGGAGGTGCTAAATGAA[G>T]ATAGAAGGAAAAAAAAATCTAGCATTCATTTTCCATTGTTAATTGATAGAGTTAAGCTTT-3'